The following is an entry in ClinVar:

ClinVar aggregate classification (germline): Uncertain significance. Review status: criteria provided, multiple submitters, no conflicts (2 of 4 stars). 3 submissions from 3 submitters: Uncertain significance (3). Last evaluated 2025-05-15.

Conditions:
Inborn genetic diseases. Identifiers: MedGen C0950123, MeSH D030342.
Megaloblastic anemia, thiamine-responsive, with diabetes mellitus and sensorineural deafness (TRMA). Also called: Thiamine-Responsive Megaloblastic Anemia Syndrome; THIAMINE METABOLISM DYSFUNCTION SYNDROME 1 (MEGALOBLASTIC ANEMIA, DIABETES MELLITUS, AND DEAFNESS TYPE); ROGERS SYNDROME; THIAMINE-RESPONSIVE ANEMIA SYNDROME; THIAMINE-RESPONSIVE MYELODYSPLASIA. Identifiers: Orphanet 49827, MedGen C0342287, MONDO:0009575, OMIM 249270.

Allele frequency attached by ClinVar (database versions not stated): gnomAD below 0.00001 and 0.00005; TOPMed 0.00001; gnomAD exomes 0.00005 and 0.00012; ExAC 0.00011.
gnomAD v4.1: 88 of 1,613,870 alleles (0.0055%); highest among the groups gnomAD compares: South Asian, 0.087%; 1 homozygote.

Submissions (3):

ARUP Laboratories, Molecular Genetics and Genomics, ARUP Laboratories
Classification: Uncertain significance for Megaloblastic anemia, thiamine-responsive, with diabetes mellitus and sensorineural deafness. Last evaluated: 2025-05-15. Review status: criteria provided, single submitter. Criteria: ARUP Molecular Germline Variant Investigation Process 2024. Collection method: clinical testing. Allele origin: germline.
Comment: The SLC19A2 c.1327G>A; p.Val443Ile variant (rs754002628), to our knowledge, is not reported in the medical literature but is reported in ClinVar (Variation ID: 874152). This variant is found primarily in the South Asian] population with an allele frequency of 0.09% (29/30614 alleles) in the Genome Aggregation Database (v2.1.1). Computational analyses are uncertain whether this variant is neutral or deleterious (REVEL: 0.399). Due to limited information, the clinical significance of this variant is uncertain at this time.

Ambry Genetics
Classification: Uncertain significance for Inborn genetic diseases. Last evaluated: 2023-06-05. Review status: criteria provided, single submitter. Criteria: Ambry Variant Classification Scheme 2023. Collection method: clinical testing. Allele origin: germline.

Illumina Laboratory Services, Illumina
Classification: Uncertain significance for Megaloblastic anemia, thiamine-responsive, with diabetes mellitus and sensorineural deafness. Last evaluated: 2018-01-13. Review status: criteria provided, single submitter. Criteria: ICSL Variant Classification Criteria 13 December 2019. Collection method: clinical testing. Allele origin: germline.

NM_006996.3(SLC19A2):c.1327G>A (p.Val443Ile)

Gene: SLC19A2 (solute carrier family 19 member 2; minus strand). Cytogenetic location: 1q24.2.
Variant type: single nucleotide variant.
Coding change: c.1327G>A on transcript NM_006996.3 (MANE Select); coding-DNA position 1327, G replaced by A.
Protein change: p.Val443Ile; replaces valine 443 with isoleucine.
Molecular consequence: missense variant.
Genome position (GRCh38, 1-based): chr1:169,468,149, C>T on the plus strand (G>A on the coding strand, the complement: SLC19A2 is on the minus strand). VCF-style: chr1-169468149-C-T. GRCh37 (hg19) VCF-style: chr1-169437387-C-T.
Other names: c.724G>A, p.Val242Ile (NM_001319667.1); short protein forms V242I, V443I.
Identifiers: ClinVar variation 874152 (VCV000874152.7), dbSNP rs754002628, ClinGen allele CA1232851.